The following is an entry in ClinVar:

NM_020745.4(AARS2):c.8C>T (p.Ala3Val)

Gene: AARS2 (alanyl-tRNA synthetase 2, mitochondrial; minus strand). Cytogenetic location: 6p21.1.
Variant type: single nucleotide variant.
Coding change: c.8C>T on transcript NM_020745.4 (MANE Select); coding-DNA position 8, C replaced by T.
Protein change: p.Ala3Val; replaces alanine 3 with valine.
Molecular consequence: missense variant.
Genome position (GRCh38, 1-based): chr6:44,313,316, G>A on the plus strand (C>T on the coding strand, the complement: AARS2 is on the minus strand). VCF-style: chr6-44313316-G-A. GRCh37 (hg19) VCF-style: chr6-44281053-G-A.
Other names: short protein forms A3V.
Identifiers: ClinVar variation 3895178 (VCV003895178.1), dbSNP rs377066824.

ClinVar aggregate classification (germline): Uncertain significance (1 of 4 stars; one submission).

Conditions:
Cardiovascular phenotype. Identifiers: MedGen CN230736.

gnomAD v4.1: 38 of 1,601,530 alleles (0.0024%); highest among the groups gnomAD compares: Non-Finnish European, 0.0031%; no homozygotes.

Submission:

Molecular Diagnostic Laboratory for Inherited Cardiovascular Disease, Montreal Heart Institute
Classification: Uncertain significance for Cardiovascular phenotype. Last evaluated: 2025-04-09. Review status: criteria provided, single submitter. Criteria: ACMG Guidelines, 2015. Collection method: clinical testing. Allele origin: germline. Affected: yes.
Comment: PM2, BP4